The following is an entry in ClinVar:

NM_000135.4(FANCA):c.2667del (p.Ser890fs)

Genes: FANCA (FA complementation group A; minus strand), LOC130059837 (ATAC-STARR-seq lymphoblastoid active region 11420; plus strand). Cytogenetic location: 16q24.3.
Variant type: Deletion.
Coding change: c.2667del on transcript NM_000135.4 (MANE Select); coding-DNA position 2667, one base deleted (C; older notation c.2667delC).
Protein change: p.Ser890fs; shifts the reading frame from serine 890.
Molecular consequence: frameshift variant.
Genome position (GRCh38, 1-based): chr16:89,765,001, G deleted on the plus strand (C on the coding strand, the reverse complement: FANCA is on the minus strand); the first of 2 consecutive G bases (chr16:89,765,001-89,765,002); deleting either gives the same sequence. VCF-style (leftmost placement, unchanged base first): chr16-89765000-TG-T. GRCh37 (hg19) VCF-style: chr16-89831408-TG-T.
Other names: c.2667del (LRG_495t1); c.2667del, p.Ser890fs (NM_001286167.3); short protein forms S890fs.
Identifiers: ClinVar variation 550737 (VCV000550737.10), dbSNP rs1555545517, ClinGen allele CA658824822.

ClinVar aggregate classification (germline): Pathogenic/Likely pathogenic. Review status: criteria provided, multiple submitters, no conflicts (2 of 4 stars). 4 submissions from 4 submitters: Pathogenic (1); Likely pathogenic (2). 1 of the submissions does not count toward it. Last evaluated 2024-08-04.

Conditions:
Fanconi anemia (FA). Also called: Fanconi's anemia. Identifiers: Orphanet 84, MedGen C0015625, MeSH D005199, MONDO:0019391.
Fanconi anemia complementation group A (FANCA). Also called: FANCA-Related Fanconi Anemia; Fanconi anemia, group A. Identifiers: Orphanet 84, MedGen C3469521, MONDO:0009215, OMIM 227650.

Submissions (4):

Labcorp Genetics (formerly Invitae), Labcorp
Classification: Pathogenic for Fanconi anemia. Last evaluated: 2024-08-04. Review status: criteria provided, single submitter. Criteria: Invitae Variant Classification Sherloc (09022015). Collection method: clinical testing. Allele origin: germline.
Comment: This sequence change creates a premature translational stop signal (p.Ser890Alafs*31) in the FANCA gene. It is expected to result in an absent or disrupted protein product. Loss-of-function variants in FANCA are known to be pathogenic (PMID: 19367192). This variant is not present in population databases (gnomAD no frequency). This variant has not been reported in the literature in individuals affected with FANCA-related conditions. ClinVar contains an entry for this variant (Variation ID: 550737). For these reasons, this variant has been classified as Pathogenic.

Fulgent Genetics
Classification: Likely pathogenic for Fanconi anemia complementation group A. Last evaluated: 2024-03-11. Review status: criteria provided, single submitter. Criteria: ACMG Guidelines, 2015. Collection method: clinical testing. Allele origin: germline.

GeneDx
Classification: Likely pathogenic. Last evaluated: 2018-09-21. Review status: criteria provided, single submitter. Criteria: GeneDx Variant Classification (06012015). Collection method: clinical testing. Allele origin: germline. Affected: yes.
Comment: The c.2667delC variant in the FANCA gene has not been reported previously as a pathogenic variant nor as a benign variant, to our knowledge. The c.2667delC variant causes a frameshift starting with codon Serine 890, changes this amino acid to an Alanine residue, and creates a premature Stop codon at position 31 of the new reading frame, denoted p.Ser890AlafsX31. This variant is predicted to cause loss of normal protein function either through protein truncation or nonsense-mediated mRNA decay. The c.2667delC variant is not observed in large population cohorts (Lek et al., 2016). We interpret c.2667delC as a likely pathogenic variant.

Counsyl
Classification: Likely pathogenic for Fanconi anemia complementation group A. Last evaluated: 2017-02-15. Review status: no assertion criteria provided. Collection method: clinical testing. Allele origin: unknown. Not counted in ClinVar's aggregate classification.

Literature cited by the submitters: PubMed 19367192 (cited by Labcorp Genetics (formerly Invitae), Labcorp).